The following is an entry in ClinVar:

ClinVar aggregate classification (germline): Likely pathogenic (1 of 4 stars; one submission).

Conditions:
Waardenburg syndrome type 4C (WS4C). Also called: WAARDENBURG SYNDROME WITH HIRSCHSPRUNG DISEASE, TYPE 4C. Identifiers: Orphanet 897, MedGen C2750452, MONDO:0013202, OMIM 613266.

Submission:

Institute of Rare Diseases, West China Hospital, Sichuan University
Classification: Likely pathogenic for Waardenburg syndrome type 4C. Last evaluated: 2025-01-09. Review status: criteria provided, single submitter. Criteria: ClinGen HL ACMG Specifications v1. Collection method: research. Allele origin: germline. Affected: yes.
Comment: PVS1;PM2_Supporting

NM_006941.4(SOX10):c.-85+1G>A

Genes: POLR2F (RNA polymerase II, I and III subunit F; plus strand), SOX10 (SRY-box transcription factor 10; minus strand). Cytogenetic location: 22q13.1.
Variant type: single nucleotide variant.
Coding change: c.-85+1G>A on transcript NM_006941.4 (MANE Select); the canonical splice donor site of the intron after 85 bases upstream of the start codon, G replaced by A.
Molecular consequence: splice donor variant. On other transcripts: intron variant (3).
Genome position (GRCh38, 1-based): chr22:37,984,338, C>T on the plus strand (G>A on the coding strand, the complement: SOX10 is on the minus strand). VCF-style: chr22-37984338-C-T. GRCh37 (hg19) VCF-style: chr22-38380345-C-T.
Other names: c.*38+12028C>T (NM_001363825.1); c.294-1816C>T (NM_001301130.2); c.293+17168C>T (NM_001301131.2).
Identifiers: ClinVar variation 3601859 (VCV003601859.1).
Genomic context (GRCh38, chr22:37,984,338, plus strand): 5'-TCCACCTCACAGCAGGGTCCCAGGCCTGGGCGGGCCAGGGAGGAGCAGGCTGCGCACTCA[C>T]CTCCTCGGACCTCTCCTCCAGTCTGGGGCTCGTCCTTAGGAAGTGGAAAACCGTGTCCCA-3'